The following is an entry in ClinVar:

NM_001354604.2(MITF):c.594G>T (p.Lys198Asn)

Gene: MITF (melanocyte inducing transcription factor; plus strand). Cytogenetic location: 3p13.
Variant type: single nucleotide variant.
Coding change: c.594G>T on transcript NM_001354604.2 (MANE Select); coding-DNA position 594, G replaced by T.
Protein change: p.Lys198Asn; replaces lysine 198 with asparagine.
Molecular consequence: missense variant.
Genome position (GRCh38, 1-based): chr3:69,939,109, G>T. VCF-style: chr3-69939109-G-T. GRCh37 (hg19) VCF-style: chr3-69988260-G-T.
Other names: c.273G>T, p.Lys91Asn (NM_000248.4, NM_198158.3); c.438G>T, p.Lys146Asn (NM_001184967.2, NM_001354608.2); c.591G>T, p.Lys197Asn (NM_001354605.2, NM_001354606.2, NM_006722.3); c.543G>T, p.Lys181Asn (NM_001354607.2); c.594G>T, p.Lys198Asn (NM_198159.3); c.546G>T, p.Lys182Asn (NM_198177.3); c.105G>T, p.Lys35Asn (NM_198178.3); short protein forms K146N, K181N, K182N, K197N, K198N, K35N, K91N.
Identifiers: ClinVar variation 3760007 (VCV003760007.3).
Genomic context (GRCh38, chr3:69,939,109, plus strand): 5'-GTCATTTGCAAATCCAAGTTATAGACTGTTTTTGCTTGTGTTTTTGCAGGGATTTTATAA[G>T]TTTGAAGAGCAAAACAGGGCAGAGAGCGAGTGCCCAGGCATGAACACACATTCACGAGCG-3'
Protein context (NP_001341533.1, residues 188-208): NSNCEKEGFY[Lys198Asn]FEEQNRAESE

ClinVar aggregate classification (germline): Uncertain significance. Review status: criteria provided, multiple submitters, no conflicts (2 of 4 stars). 2 submissions from 2 submitters: Uncertain significance (2). Last evaluated 2025-06-02.

Conditions:
Melanoma, cutaneous malignant, susceptibility to, 8. Also called: MELANOMA AND RENAL CELL CARCINOMA, SUSCEPTIBILITY TO; Cutaneous malignant melanoma 8. Identifiers: Orphanet 293822, MedGen C3152204, MONDO:0013759, OMIM 614456.
Tietz syndrome (TADS). Also called: ALBINISM-DEAFNESS OF TIETZ; HYPOPIGMENTATION/DEAFNESS OF TIETZ; TIETZ ALBINISM-DEAFNESS SYNDROME. Identifiers: Orphanet 42665, MedGen C0391816, MONDO:0007077, OMIM 103500.
Waardenburg syndrome type 2A (WS2A). Also called: WAARDENBURG SYNDROME WITHOUT DYSTOPIA CANTHORUM. Identifiers: Orphanet 3440, MedGen C1860339, MONDO:0008671, OMIM 193510.
Hereditary cancer-predisposing syndrome. Also called: Hereditary Cancer Syndrome; Hereditary neoplastic syndrome; Neoplastic Syndromes, Hereditary; Tumor predisposition. Identifiers: Orphanet 140162, MedGen C0027672, MeSH D009386, MONDO:0015356.

Submissions (2):

Ambry Genetics
Classification: Uncertain significance for Hereditary cancer-predisposing syndrome. Last evaluated: 2025-06-02. Review status: criteria provided, single submitter. Criteria: Ambry Variant Classification Scheme 2023. Collection method: clinical testing. Allele origin: germline.
Comment: The p.K91N variant (also known as c.273G>T), located in coding exon 3 of the MITF gene, results from a G to T substitution at nucleotide position 273. The lysine at codon 91 is replaced by asparagine, an amino acid with similar properties. This amino acid position is conserved. In addition, this alteration is predicted to be tolerated by in silico analysis. Based on the available evidence, the clinical significance of this variant remains unclear.

Labcorp Genetics (formerly Invitae), Labcorp
Classification: Uncertain significance for Melanoma, cutaneous malignant, susceptibility to, 8; Waardenburg syndrome type 2A; Tietz syndrome. Last evaluated: 2024-12-10. Review status: criteria provided, single submitter. Criteria: Invitae Variant Classification Sherloc (09022015). Collection method: clinical testing. Allele origin: germline.
Comment: This sequence change replaces lysine, which is basic and polar, with asparagine, which is neutral and polar, at codon 91 of the MITF protein (p.Lys91Asn). This variant is not present in population databases (gnomAD no frequency). This variant has not been reported in the literature in individuals affected with MITF-related conditions. An algorithm developed to predict the effect of missense changes on protein structure and function (PolyPhen-2) suggests that this variant is likely to be tolerated. In summary, the available evidence is currently insufficient to determine the role of this variant in disease. Therefore, it has been classified as a Variant of Uncertain Significance.